The following is an entry in ClinVar:

ClinVar aggregate classification (germline): Conflicting classifications of pathogenicity. Review status: criteria provided, conflicting classifications (1 of 4 stars). 2 submissions from 2 submitters: Uncertain significance (1); Likely benign (1). Last evaluated 2023-03-23.

Conditions:
Hereditary cancer-predisposing syndrome. Also called: Neoplastic Syndromes, Hereditary; Hereditary Cancer Syndrome; Tumor predisposition; Hereditary neoplastic syndrome. Identifiers: Orphanet 140162, MedGen C0027672, MeSH D009386, MONDO:0015356.

Allele frequency attached by ClinVar (database versions not stated): gnomAD exomes below 0.00001.

Submissions (2):

University of Washington Department of Laboratory Medicine, University of Washington
Classification: Likely benign for Hereditary cancer-predisposing syndrome. Last evaluated: 2023-03-23. Review status: criteria provided, single submitter. Criteria: Dines et al. (Genet Med. 2020). Collection method: curation. Allele origin: germline.
Comment: Missense variant in a coldspot region where missense variants are very unlikely to be pathogenic (PMID:31911673).

BRCA1 coldspot (exon 11 using historical exon numbering). Reclassification based on statistical prior probability

Women's Health and Genetics/Laboratory Corporation of America, LabCorp
Classification: Uncertain significance. Last evaluated: 2019-10-25. Review status: criteria provided, single submitter. Criteria: LabCorp Variant Classification Summary - May 2015. Collection method: clinical testing. Allele origin: germline.
Comment: Variant summary: BRCA1 c.1976C>T (p.Pro659Leu) results in a non-conservative amino acid change in the encoded protein sequence. Three of five in-silico tools predict a benign effect of the variant on protein function. The variant allele was found at a frequency of 4e-06 in 251082 control chromosomes (gnomAD). The available data on variant occurrences in the general population are insufficient to allow any conclusion about variant significance. To our knowledge, no occurrence of c.1976C>T in individuals affected with Hereditary Breast and Ovarian Cancer and no experimental evidence demonstrating its impact on protein function have been reported. No clinical diagnostic laboratories have submitted clinical-significance assessments for this variant to ClinVar after 2014. Based on the evidence outlined above, the variant was classified as uncertain significance.

NM_007294.4(BRCA1):c.1976C>T (p.Pro659Leu)

Gene: BRCA1 (BRCA1 DNA repair associated; minus strand). Cytogenetic location: 17q21.31.
Variant type: single nucleotide variant.
Coding change: c.1976C>T on transcript NM_007294.4 (MANE Select); coding-DNA position 1976, C replaced by T.
Protein change: p.Pro659Leu; replaces proline 659 with leucine.
Molecular consequence: missense variant. On other transcripts: intron variant (137).
Genome position (GRCh38, 1-based): chr17:43,093,555, G>A on the plus strand (C>T on the coding strand, the complement: BRCA1 is on the minus strand). VCF-style: chr17-43093555-G-A. GRCh37 (hg19) VCF-style: chr17-41245572-G-A.
Other names: c.1976C>T, p.Pro659Leu (NM_001407593.1, NM_001407594.1, NM_001407596.1 and 30 more transcripts); c.1973C>T, p.Pro658Leu (NM_001407610.1, NM_001407611.1, NM_001407612.1 and 22 more transcripts); c.1967C>T, p.Pro656Leu (NM_001407646.1, NM_001407647.1); c.1853C>T, p.Pro618Leu (NM_001407648.1, NM_001407664.1, NM_001407665.1 and 19 more transcripts); c.1850C>T, p.Pro617Leu (NM_001407649.1, NM_001407670.1, NM_001407671.1 and 11 more transcripts); c.1898C>T, p.Pro633Leu (NM_001407653.1, NM_001407654.1, NM_001407655.1 and 4 more transcripts); c.1895C>T, p.Pro632Leu (NM_001407659.1, NM_001407660.1, NM_001407661.1 and 1 more transcripts); c.1835C>T, p.Pro612Leu (NM_001407692.1, NM_001407694.1, NM_001407695.1 and 29 more transcripts); and 40 more; short protein forms P612L, P659L, P531L, P548L, P571L, P632L, P491L, P532L.
Identifiers: ClinVar variation 929017 (VCV000929017.4), dbSNP rs1258526903, ClinGen allele CA10598061.